The following is an entry in ClinVar:

ClinVar aggregate classification (germline): Uncertain significance (1 of 4 stars; one submission).

Submission:

Labcorp Genetics (formerly Invitae), Labcorp
Classification: Uncertain significance. Last evaluated: 2024-08-04. Review status: criteria provided, single submitter. Criteria: Invitae Variant Classification Sherloc (09022015). Collection method: clinical testing. Allele origin: germline.
Comment: This sequence change replaces lysine, which is basic and polar, with arginine, which is basic and polar, at codon 6 of the MYLK3 protein (p.Lys6Arg). This variant is not present in population databases (gnomAD no frequency). This variant has not been reported in the literature in individuals affected with MYLK3-related conditions. An algorithm developed to predict the effect of missense changes on protein structure and function (PolyPhen-2) suggests that this variant is likely to be tolerated. In summary, the available evidence is currently insufficient to determine the role of this variant in disease. Therefore, it has been classified as a Variant of Uncertain Significance.

NM_182493.3(MYLK3):c.17A>G (p.Lys6Arg)

Gene: MYLK3 (myosin light chain kinase 3; minus strand). Cytogenetic location: 16q11.2.
Variant type: single nucleotide variant.
Coding change: c.17A>G on transcript NM_182493.3 (MANE Select); coding-DNA position 17, A replaced by G.
Protein change: p.Lys6Arg; replaces lysine 6 with arginine.
Molecular consequence: missense variant. On other transcripts: intron variant (1).
Genome position (GRCh38, 1-based): chr16:46,748,177, T>C on the plus strand (A>G on the coding strand, the complement: MYLK3 is on the minus strand). VCF-style: chr16-46748177-T-C. GRCh37 (hg19) VCF-style: chr16-46782089-T-C.
Other names: c.-113-8030A>G (NM_001308301.1); short protein forms K6R.
Identifiers: ClinVar variation 3661350 (VCV003661350.2).